The following is an entry in ClinVar:

ClinVar aggregate classification (germline): Uncertain significance (1 of 4 stars; one submission).

Conditions:
Ullrich congenital muscular dystrophy 2 (UCMD2). Identifiers: Orphanet 75840, MedGen C4225314, MONDO:0014654, OMIM 616470.
Bethlem myopathy 2 (BTHLM2). Identifiers: Orphanet 536516, Orphanet 610, MedGen C4225313, MONDO:0034022, OMIM 616471.

Allele frequency attached by ClinVar (database versions not stated): gnomAD exomes below 0.00001.
gnomAD v4.1: 1 of 1,613,754 alleles (0.000062%); highest among the groups gnomAD compares: Non-Finnish European, 0.000085%; no homozygotes.

Submission:

Labcorp Genetics (formerly Invitae), Labcorp
Classification: Uncertain significance for Bethlem myopathy 2; Ullrich congenital muscular dystrophy 2. Last evaluated: 2022-06-27. Review status: criteria provided, single submitter. Criteria: Invitae Variant Classification Sherloc (09022015). Collection method: clinical testing. Allele origin: germline.
Comment: This variant has not been reported in the literature in individuals affected with COL12A1-related conditions. ClinVar contains an entry for this variant (Variation ID: 639666). Algorithms developed to predict the effect of missense changes on protein structure and function are either unavailable or do not agree on the potential impact of this missense change (SIFT: "Deleterious"; PolyPhen-2: "Probably Damaging"; Align-GVGD: "Class C0"). In summary, the available evidence is currently insufficient to determine the role of this variant in disease. Therefore, it has been classified as a Variant of Uncertain Significance. This variant is not present in population databases (gnomAD no frequency). This sequence change replaces tyrosine, which is neutral and polar, with cysteine, which is neutral and slightly polar, at codon 1117 of the COL12A1 protein (p.Tyr1117Cys).

NM_004370.6(COL12A1):c.3350A>G (p.Tyr1117Cys)

Gene: COL12A1 (collagen type XII alpha 1 chain; minus strand). Cytogenetic location: 6q13.
Variant type: single nucleotide variant.
Coding change: c.3350A>G on transcript NM_004370.6 (MANE Select); coding-DNA position 3350, A replaced by G.
Protein change: p.Tyr1117Cys; replaces tyrosine 1117 with cysteine.
Molecular consequence: missense variant. On other transcripts: intron variant (1).
Genome position (GRCh38, 1-based): chr6:75,155,755, T>C on the plus strand (A>G on the coding strand, the complement: COL12A1 is on the minus strand). VCF-style: chr6-75155755-T-C. GRCh37 (hg19) VCF-style: chr6-75865471-T-C.
Other names: c.74-3273A>G (NM_080645.3); short protein forms Y1117C.
Identifiers: ClinVar variation 639666 (VCV000639666.7), dbSNP rs1582145759, ClinGen allele CA364752528.